The following is an entry in ClinVar:

Conditions:
Breast-ovarian cancer, familial, susceptibility to, 1 (BROVCA1). Also called: BRCA1 Hereditary Breast and Ovarian Cancer; OVARIAN CANCER, SUSCEPTIBILITY TO. Identifiers: Orphanet 145, MedGen C2676676, MONDO:0011450, OMIM 604370. Disease mechanism: loss of function.

Submission:

Brotman Baty Institute, University of Washington
No classification provided (evidence only). Condition: Breast-ovarian cancer, familial 1. Review status: no classification provided. Collection method: in vitro. Allele origin: not applicable. Functional consequence: function_uncertain_variant.
ClinVar note: "not provided" was previously submitted as the classification for the variant. However, the classification appeared to be based only on an observation of functional data so it was converted to no classification on 2025-07-30.

NM_007294.4(BRCA1):c.301+6T>G

Gene: BRCA1 (BRCA1 DNA repair associated; minus strand). Cytogenetic location: 17q21.31.
Variant type: single nucleotide variant.
Coding change: c.301+6T>G on transcript NM_007294.4 (MANE Select); 6 bases into the intron after coding-DNA position 301, T replaced by G.
Molecular consequence: intron variant.
Genome position (GRCh38, 1-based): chr17:43,104,862, A>C on the plus strand (T>G on the coding strand, the complement: BRCA1 is on the minus strand). VCF-style: chr17-43104862-A-C. GRCh37 (hg19) VCF-style: chr17-41256879-A-C.
Other names: c.160+6T>G (NM_001408458.1, NM_001407931.1, NM_001407747.1 and 99 more transcripts); c.-218-10002T>G (NM_001407967.1, NM_001407966.1); c.-81+6T>G (NM_001407959.1, NM_001407962.1, NM_001408512.1 and 4 more transcripts); c.91+6T>G (NM_001407885.1, NM_001407886.1, NM_001407898.1 and 58 more transcripts); c.301+6T>G (NM_001407686.1, NM_001408397.1, NM_001407632.1 and 164 more transcripts); c.169+6T>G (NM_001408451.1); c.223+6T>G (NM_001408475.1, NM_001407875.1, NM_001407659.1 and 21 more transcripts); c.292+15T>G (NM_001408408.1, NM_001407647.1, NM_001407646.1).
Identifiers: ClinVar variation 865650 (VCV000865650.3), dbSNP rs753859240, ClinGen allele CA916080807.
Genomic context (GRCh38, chr17:43,104,862, plus strand): 5'-TGTGCAAACTTCCTGAGTTTTCATGGACAGCACTTGAGTGTCATTCTTGGGATATTCAAC[A>C]CTTACACTCCAAACCTGTGTCAAGCTGAAAAGCACAAATGATTTTCAATAGCTCTTCAAC-3'